The following is an entry in ClinVar:

NM_016239.4(MYO15A):c.5482C>T (p.Arg1828Cys)

Gene: MYO15A (myosin XVA; plus strand). Cytogenetic location: 17p11.2.
Variant type: single nucleotide variant.
Coding change: c.5482C>T on transcript NM_016239.4 (MANE Select); coding-DNA position 5482, C replaced by T.
Protein change: p.Arg1828Cys; replaces arginine 1828 with cysteine.
Molecular consequence: missense variant.
Genome position (GRCh38, 1-based): chr17:18,141,094, C>T. VCF-style: chr17-18141094-C-T. GRCh37 (hg19) VCF-style: chr17-18044408-C-T.
Other names: c.5482C>T (NM_016239.3); short protein forms R1828C.
Identifiers: ClinVar variation 2172465 (VCV002172465.3), dbSNP rs202187786, ClinGen allele CA8424292.
Genomic context (GRCh38, chr17:18,141,094, plus strand): 5'-GAGCCAGATGTGGTAATGGCACAATTACGCTATTCAGGGGTGCTGGAGACCGTGAGGATC[C>T]GCAAGGAGGGATTTCCAGTGCGCCTGCCTTTCCAGGGGTTCATCGACAGGTATCTTGGTT-3'
Protein context (NP_057323.3, residues 1818-1838): YSGVLETVRI[Arg1828Cys]KEGFPVRLPF

ClinVar aggregate classification (germline): Uncertain significance. Review status: criteria provided, multiple submitters, no conflicts (2 of 4 stars). 3 submissions from 3 submitters: Uncertain significance (3). Last evaluated 2024-10-16.

Conditions:
Inborn genetic diseases. Identifiers: MedGen C0950123, MeSH D030342.

Allele frequency attached by ClinVar (database versions not stated): gnomAD 0.00002; TOPMed 0.00002; ESP Exome Variant Server 0.00008.
gnomAD v4.1: 18 of 1,613,876 alleles (0.0011%); highest among the groups gnomAD compares: African/African-American, 0.0027%; no homozygotes.

Submissions (3):

Blueprint Genetics
Classification: Uncertain significance. Last evaluated: 2024-10-16. Review status: criteria provided, single submitter. Criteria: ACMG Guidelines, 2015. Collection method: clinical testing. Allele origin: germline.

Ambry Genetics
Classification: Uncertain significance for Inborn genetic diseases. Last evaluated: 2023-12-08. Review status: criteria provided, single submitter. Criteria: Ambry Variant Classification Scheme 2023. Collection method: clinical testing. Allele origin: germline.

Labcorp Genetics (formerly Invitae), Labcorp
Classification: Uncertain significance. Last evaluated: 2022-10-25. Review status: criteria provided, single submitter. Criteria: Invitae Variant Classification Sherloc (09022015). Collection method: clinical testing. Allele origin: germline.
Comment: This sequence change replaces arginine, which is basic and polar, with cysteine, which is neutral and slightly polar, at codon 1828 of the MYO15A protein (p.Arg1828Cys). This variant is present in population databases (rs202187786, gnomAD 0.005%). This variant has not been reported in the literature in individuals affected with MYO15A-related conditions. Advanced modeling of protein sequence and biophysical properties (such as structural, functional, and spatial information, amino acid conservation, physicochemical variation, residue mobility, and thermodynamic stability) has been performed at Invitae for this missense variant, however the output from this modeling did not meet the statistical confidence thresholds required to predict the impact of this variant on MYO15A protein function. In summary, the available evidence is currently insufficient to determine the role of this variant in disease. Therefore, it has been classified as a Variant of Uncertain Significance.